The following is an entry in ClinVar:

NM_000444.6(PHEX):c.1173+1del

Gene: PHEX (phosphate regulating endopeptidase X-linked; plus strand). Cytogenetic location: Xp22.11.
Variant type: Deletion.
Coding change: c.1173+1del on transcript NM_000444.6 (MANE Select); the canonical splice donor site of the intron after coding-DNA position 1173, one base deleted (G; older notation c.1173+1delG).
Molecular consequence: splice donor variant.
Genome position (GRCh38, 1-based): chrX:22,111,561, G deleted; the last of 3 consecutive G bases (chrX:22,111,559-22,111,561); deleting any one gives the same sequence. VCF-style (leftmost placement, unchanged base first): chrX-22111558-AG-A. GRCh37 (hg19) VCF-style: chrX-22129676-AG-A.
Other names: c.1173+1del (NM_001282754.2).
Identifiers: ClinVar variation 951151 (VCV000951151.10), dbSNP rs1930970613, ClinGen allele CA1139667293.

ClinVar aggregate classification (germline): Pathogenic (1 of 4 stars; one submission).

Submission:

Labcorp Genetics (formerly Invitae), Labcorp
Classification: Pathogenic. Last evaluated: 2019-06-05. Review status: criteria provided, single submitter. Criteria: Invitae Variant Classification Sherloc (09022015). Collection method: clinical testing. Allele origin: germline.
Comment: For these reasons, this variant has been classified as Pathogenic. Donor and acceptor splice site variants typically lead to a loss of protein function (PMID: 16199547), and loss-of-function variants in PHEX are known to be pathogenic (PMID: 9097956, 9106524, 19219621). Algorithms developed to predict the effect of sequence changes on RNA splicing suggest that this variant may disrupt the consensus splice site, but this prediction has not been confirmed by published transcriptional studies. Disruption of this splice site has been observed in individuals affected with hypophosphatemic rickets (PMID: 21902834, 22101457). This variant is not present in population databases (ExAC no frequency). This sequence change affects a donor splice site in intron 10 of the PHEX gene. It is expected to disrupt RNA splicing and likely results in an absent or disrupted protein product.

Literature cited by the submitters: PubMed 16199547; PubMed 9097956; PubMed 9106524; PubMed 19219621; PubMed 21902834; PubMed 22101457.